The following is an entry in ClinVar:

NM_004341.5(CAD):c.2169_2170del (p.Gly725fs)

Gene: CAD (carbamoyl-phosphate synthetase 2, aspartate transcarbamylase, and dihydroorotase; plus strand). Cytogenetic location: 2p23.3.
Variant type: Deletion.
Coding change: c.2169_2170del on transcript NM_004341.5 (MANE Select); coding-DNA positions 2169 to 2170, 2 bases deleted (AG; older notation c.2169_2170delAG).
Protein change: p.Gly725fs; shifts the reading frame from glycine 725.
Molecular consequence: frameshift variant.
Genome position (GRCh38, 1-based): chr2:27,226,844-27,226,845, AG deleted. VCF-style (leftmost placement, unchanged base first): chr2-27226843-CAG-C. GRCh37 (hg19) VCF-style: chr2-27449711-CAG-C.
Other names: c.1980_1981del, p.Gly662fs (NM_001306079.2); short protein forms G662fs, G725fs.
Identifiers: ClinVar variation 2153394 (VCV002153394.5), dbSNP rs1491211155, ClinGen allele CA44500037.

ClinVar aggregate classification (germline): Pathogenic/Likely pathogenic. Review status: criteria provided, multiple submitters, no conflicts (2 of 4 stars). 2 submissions from 2 submitters: Pathogenic (1); Likely pathogenic (1). Last evaluated 2024-10-14.

Conditions:
CAD-related disorder. Also called: CAD-related condition.

Allele frequency attached by ClinVar (database versions not stated): gnomAD exomes below 0.00001; gnomAD 0.00002; TOPMed 0.00002.

Submissions (2):

Blueprint Genetics
Classification: Likely pathogenic for CAD-related disorders. Last evaluated: 2024-10-14. Review status: criteria provided, single submitter. Criteria: ACMG Guidelines, 2015. Collection method: clinical testing. Allele origin: germline. Affected: yes. Observed: 2 variant alleles.

Labcorp Genetics (formerly Invitae), Labcorp
Classification: Pathogenic. Last evaluated: 2023-10-13. Review status: criteria provided, single submitter. Criteria: Invitae Variant Classification Sherloc (09022015). Collection method: clinical testing. Allele origin: germline.
Comment: This sequence change creates a premature translational stop signal (p.Gly725Tyrfs*5) in the CAD gene. It is expected to result in an absent or disrupted protein product. Loss-of-function variants in CAD are known to be pathogenic (PMID: 28007989, 32117025, 32820246, 33497533). This variant is present in population databases (no rsID available, gnomAD 0.01%). This variant has not been reported in the literature in individuals affected with CAD-related conditions. ClinVar contains an entry for this variant (Variation ID: 2153394). For these reasons, this variant has been classified as Pathogenic.

Literature cited by the submitters: PubMed 28007989 (cited by Labcorp Genetics (formerly Invitae), Labcorp); PubMed 32117025 (cited by Labcorp Genetics (formerly Invitae), Labcorp); PubMed 32820246 (cited by Labcorp Genetics (formerly Invitae), Labcorp); PubMed 33497533 (cited by Labcorp Genetics (formerly Invitae), Labcorp).